The following is an entry in ClinVar:

NC_000023.10:g.(?_76760355)_(76777867_76778729)dup

Gene: ATRX (ATRX chromatin remodeler; minus strand). Cytogenetic location: Xq21.1.
Variant type: Duplication.
Identifiers: ClinVar variation 1878405 (VCV001878405.1).

ClinVar aggregate classification (germline): Uncertain significance (1 of 4 stars; one submission).

Submission:

Women's Health and Genetics/Laboratory Corporation of America, LabCorp
Classification: Uncertain significance. Last evaluated: 2022-12-29. Review status: criteria provided, single submitter. Criteria: LabCorp Variant Classification Summary - May 2015. Collection method: clinical testing. Allele origin: germline.
Comment: Variant summary: The variant identified by MLPA or other technology involves the duplication of exons 32-35, which involves the last exon in the ATRX gene. The exact breakpoint at the 3' end of this variant is unknown and therefore this duplication might extend downstream of the assayed region of this gene. A presumed nomenclature of c.(6849+1_6850-1)_(*3474_?)dup has been designated for the purposes of this classification. It has been assumed that this is a tandem duplication in direct orientation (Richardson_GIM_2018, Newman_AJHG_2015). Since the exact breakpoints of this duplication are not known, it is not possible to predict the protein level effect of this variant. The variant was absent in 16120 control chromosomes in the gnomAD database, structural variants dataset. The available data on variant occurrences in the general population are insufficient to allow any conclusion about variant significance. To our knowledge, no occurrence of c.(6849+1_6850-1)_(*3474_?)dup in individuals affected with ATR-X Syndrome and no experimental evidence demonstrating its impact on protein function have been reported. No clinical diagnostic laboratories have submitted clinical-significance assessments for this variant to ClinVar after 2014. In conclusion, while it may be assumed that duplication variants including a large DNA segment downstream of the gene might result in regular transcription- and translation termination with an unaffected protein product, however shorter tandem duplication variants involving the last exon may result in a frameshift or in-frame duplication change, and also can affect the 3' UTR end of the mRNA, which might be associated with disease. Since it is not possible to distinguish between these two outcomes in the context of this evaluation, the variant was classified as uncertain significance.